The following is an entry in ClinVar:

ClinVar aggregate classification (germline): Uncertain significance (1 of 4 stars; one submission).

Conditions:
EGFR-related lung cancer (EGFR). Identifiers: MedGen CN130014.

gnomAD v4.1: 1 of 1,603,406 alleles (0.000062%); highest among the groups gnomAD compares: South Asian, 0.0011%; no homozygotes.

Submissions (2):

Labcorp Genetics (formerly Invitae), Labcorp
Classification: Uncertain significance for EGFR-related lung cancer. Last evaluated: 2024-07-09. Review status: criteria provided, single submitter. Criteria: Invitae Variant Classification Sherloc (09022015). Collection method: clinical testing. Allele origin: germline.
Comment: This sequence change falls in intron 26 of the EGFR gene. It does not directly change the encoded amino acid sequence of the EGFR protein. It affects a nucleotide within the consensus splice site. This variant is not present in population databases (gnomAD no frequency). This variant has not been reported in the literature in individuals affected with EGFR-related conditions. Variants that disrupt the consensus splice site are a relatively common cause of aberrant splicing (PMID: 17576681, 9536098). Algorithms developed to predict the effect of sequence changes on RNA splicing suggest that this variant is not likely to affect RNA splicing. In summary, the available evidence is currently insufficient to determine the role of this variant in disease. Therefore, it has been classified as a Variant of Uncertain Significance.

Dr. Peter K. Rogan Lab, Western University
No classification provided (evidence only). Condition: Ovarian serous cystadenocarcinoma. Review status: no classification provided. Collection method: in vitro. Allele origin: not applicable. Functional consequence: retained intron. Not counted in ClinVar's aggregate classification.

Literature cited by the submitters: PubMed 17576681 (cited by Labcorp Genetics (formerly Invitae), Labcorp); PubMed 9536098 (cited by Labcorp Genetics (formerly Invitae), Labcorp).

NM_005228.5(EGFR):c.3163-3C>T

Gene: EGFR (epidermal growth factor receptor; plus strand). Cytogenetic location: 7p11.2.
Variant type: single nucleotide variant.
Coding change: c.3163-3C>T on transcript NM_005228.5 (MANE Select); 3 bases into the intron before coding-DNA position 3163, C replaced by T.
Molecular consequence: intron variant.
Genome position (GRCh38, 1-based): chr7:55,202,514, C>T. VCF-style: chr7-55202514-C-T. GRCh37 (hg19) VCF-style: chr7-55270207-C-T.
Other names: c.3028-3C>T (NM_001346899.2, NM_001346897.2); c.2362-3C>T (NM_001346941.2); c.3163-3C>T (NM_001346898.2); c.3004-3C>T (NM_001346900.2).
Identifiers: ClinVar variation 3625442 (VCV003625442.3).